The following is an entry in ClinVar:

ClinVar aggregate classification (germline): Uncertain significance (1 of 4 stars; one submission).

Conditions:
Cardiovascular phenotype. Identifiers: MedGen CN230736.

gnomAD v4.1: 2 of 1,614,090 alleles (0.00012%); highest among the groups gnomAD compares: South Asian, 0.0022%; no homozygotes.

Submission:

Ambry Genetics
Classification: Uncertain significance for Cardiovascular phenotype. Last evaluated: 2024-01-29. Review status: criteria provided, single submitter. Criteria: Ambry Variant Classification Scheme 2023. Collection method: clinical testing. Allele origin: germline.
Comment: The p.I2738V variant (also known as c.8212A>G), located in coding exon 26 of the APOB gene, results from an A to G substitution at nucleotide position 8212. The isoleucine at codon 2738 is replaced by valine, an amino acid with highly similar properties. This amino acid position is conserved. In addition, this alteration is predicted to be tolerated by in silico analysis. Based on the available evidence, the clinical significance of this alteration remains unclear.

NM_000384.3(APOB):c.8212A>G (p.Ile2738Val)

Gene: APOB (apolipoprotein B; minus strand). Cytogenetic location: 2p24.1.
Variant type: single nucleotide variant.
Coding change: c.8212A>G on transcript NM_000384.3 (MANE Select); coding-DNA position 8212, A replaced by G.
Protein change: p.Ile2738Val; replaces isoleucine 2738 with valine.
Molecular consequence: missense variant.
Genome position (GRCh38, 1-based): chr2:21,008,656, T>C on the plus strand (A>G on the coding strand, the complement: APOB is on the minus strand). VCF-style: chr2-21008656-T-C. GRCh37 (hg19) VCF-style: chr2-21231528-T-C.
Other names: short protein forms I2738V.
Identifiers: ClinVar variation 3231462 (VCV003231462.1), dbSNP rs2465366788, ClinGen allele CA345995197.